The following is an entry in ClinVar:

NM_002528.7(NTHL1):c.656C>G (p.Ala219Gly)

Gene: NTHL1 (nth like DNA glycosylase 1; minus strand). Cytogenetic location: 16p13.3.
Variant type: single nucleotide variant.
Coding change: c.656C>G on transcript NM_002528.7 (MANE Select); coding-DNA position 656, C replaced by G.
Protein change: p.Ala219Gly; replaces alanine 219 with glycine.
Molecular consequence: missense variant.
Genome position (GRCh38, 1-based): chr16:2,043,596, G>C on the plus strand (C>G on the coding strand, the complement: NTHL1 is on the minus strand). VCF-style: chr16-2043596-G-C. GRCh37 (hg19) VCF-style: chr16-2093597-G-C.
Other names: c.485C>G, p.Ala162Gly (NM_001318193.2); c.326C>G, p.Ala109Gly (NM_001318194.2); short protein forms A109G, A162G, A219G.
Identifiers: ClinVar variation 3301258 (VCV003301258.1).

ClinVar aggregate classification (germline): Uncertain significance (1 of 4 stars; one submission).

Conditions:
Hereditary cancer-predisposing syndrome. Also called: Tumor predisposition; Hereditary Cancer Syndrome; Hereditary neoplastic syndrome; Neoplastic Syndromes, Hereditary. Identifiers: Orphanet 140162, MedGen C0027672, MeSH D009386, MONDO:0015356.

Submission:

Ambry Genetics
Classification: Uncertain significance for Hereditary cancer-predisposing syndrome. Last evaluated: 2024-04-01. Review status: criteria provided, single submitter. Criteria: Ambry Variant Classification Scheme 2023. Collection method: clinical testing. Allele origin: germline.
Comment: The p.A227G variant (also known as c.680C>G), located in coding exon 4 of the NTHL1 gene, results from a C to G substitution at nucleotide position 680. The alanine at codon 227 is replaced by glycine, an amino acid with similar properties. This amino acid position is conserved. In addition, the in silico prediction for this alteration is inconclusive. Based on the available evidence, the clinical significance of this alteration remains unclear.